The following is an entry in ClinVar:

ClinVar aggregate classification (germline): Uncertain significance. Review status: criteria provided, multiple submitters, no conflicts (2 of 4 stars). 2 submissions from 2 submitters: Uncertain significance (2). Last evaluated 2025-11-16.

Conditions:
Long QT syndrome (LQTS). Identifiers: MedGen C0023976, MeSH D008133, MONDO:0002442. Disease mechanism: loss of function. Inheritance: Various modes of inheritance.
Cardiovascular phenotype. Identifiers: MedGen CN230736.

Allele frequency attached by ClinVar (database versions not stated): gnomAD exomes below 0.00001; ExAC 0.00001; gnomAD 0.00001; TOPMed 0.00001.
gnomAD v4.1: 7 of 1,613,534 alleles (0.00043%); highest among the groups gnomAD compares: South Asian, 0.0011%; no homozygotes.

Submissions (2):

Ambry Genetics
Classification: Uncertain significance for Cardiovascular phenotype. Last evaluated: 2025-11-16. Review status: criteria provided, single submitter. Criteria: Ambry Variant Classification Scheme 2023. Collection method: clinical testing. Allele origin: germline.
Comment: The p.R950Q variant (also known as c.2849G>A), located in coding exon 8 of the AKAP9 gene, results from a G to A substitution at nucleotide position 2849. The arginine at codon 950 is replaced by glutamine, an amino acid with highly similar properties. This amino acid position is conserved. In addition, this alteration is predicted to be tolerated by in silico analysis. Based on the available evidence, the clinical significance of this variant remains unclear.

Labcorp Genetics (formerly Invitae), Labcorp
Classification: Uncertain significance for Long QT syndrome. Last evaluated: 2022-01-11. Review status: criteria provided, single submitter. Criteria: Invitae Variant Classification Sherloc (09022015). Collection method: clinical testing. Allele origin: germline.
Comment: In summary, the available evidence is currently insufficient to determine the role of this variant in disease. Therefore, it has been classified as a Variant of Uncertain Significance. Algorithms developed to predict the effect of missense changes on protein structure and function output the following: SIFT: "Deleterious"; PolyPhen-2: "Possibly Damaging"; Align-GVGD: "Class C0". The glutamine amino acid residue is found in multiple mammalian species, which suggests that this missense change does not adversely affect protein function. This variant has not been reported in the literature in individuals affected with AKAP9-related conditions. This variant is present in population databases (rs773523925, gnomAD 0.003%). This sequence change replaces arginine, which is basic and polar, with glutamine, which is neutral and polar, at codon 950 of the AKAP9 protein (p.Arg950Gln).

NM_005751.5(AKAP9):c.2849G>A (p.Arg950Gln)

Gene: AKAP9 (A-kinase anchoring protein 9; plus strand). Cytogenetic location: 7q21.2.
Variant type: single nucleotide variant.
Coding change: c.2849G>A on transcript NM_005751.5 (MANE Select); coding-DNA position 2849, G replaced by A.
Protein change: p.Arg950Gln; replaces arginine 950 with glutamine.
Molecular consequence: missense variant.
Genome position (GRCh38, 1-based): chr7:92,002,766, G>A. VCF-style: chr7-92002766-G-A. GRCh37 (hg19) VCF-style: chr7-91632080-G-A.
Other names: c.2849G>A, p.Arg950Gln (NM_147185.3); short protein forms R950Q.
Identifiers: ClinVar variation 2078313 (VCV002078313.5), dbSNP rs773523925, ClinGen allele CA4336209.